The following is an entry in ClinVar:

NM_000059.4(BRCA2):c.3808G>A (p.Val1270Ile)

Gene: BRCA2 (BRCA2 DNA repair associated; plus strand). Cytogenetic location: 13q13.1.
Variant type: single nucleotide variant.
Coding change: c.3808G>A on transcript NM_000059.4 (MANE Select); coding-DNA position 3808, G replaced by A.
Protein change: p.Val1270Ile; replaces valine 1270 with isoleucine.
Molecular consequence: missense variant.
Genome position (GRCh38, 1-based): chr13:32,338,163, G>A. VCF-style: chr13-32338163-G-A. GRCh37 (hg19) VCF-style: chr13-32912300-G-A.
Other names: short protein forms V1270I.
Identifiers: ClinVar variation 231069 (VCV000231069.14), dbSNP rs876658938, ClinGen allele CA10579591.

ClinVar aggregate classification (germline): Conflicting classifications of pathogenicity. Review status: criteria provided, conflicting classifications (1 of 4 stars). 5 submissions from 5 submitters: Uncertain significance (3); Likely benign (2). Last evaluated 2025-11-07.

Conditions:
Hereditary cancer-predisposing syndrome. Also called: Hereditary neoplastic syndrome; Hereditary Cancer Syndrome; Neoplastic Syndromes, Hereditary; Tumor predisposition. Identifiers: Orphanet 140162, MedGen C0027672, MeSH D009386, MONDO:0015356.
Fanconi anemia complementation group D1. Also called: BRCA2-Related Fanconi Anemia. Identifiers: Orphanet 319462, MedGen C1838457, MONDO:0011584, OMIM 605724.
Medulloblastoma (MDB). Also called: MEDULLOBLASTOMA PREDISPOSITION SYNDROME; Medulloblastoma, somatic. Identifiers: Orphanet 616, MedGen C0025149, MeSH D008527, MONDO:0007959, OMIM 155255, HP:0002885.
Prostate cancer. Also called: Malignant tumor of prostate. Identifiers: Orphanet 1331, MedGen C0376358, MONDO:0008315, HP:0012125.
Familial cancer of breast. Also called: hereditary breast carcinoma; BREAST CANCER, FAMILIAL; Hereditary breast cancer. Identifiers: Orphanet 227535, MedGen C0346153, MONDO:0016419, OMIM 114480. Disease mechanism: loss of function.
Breast-ovarian cancer, familial, susceptibility to, 2 (BROVCA2). Also called: BRCA2 Hereditary Breast and Ovarian Cancer. Identifiers: Orphanet 145, MedGen C2675520, MONDO:0012933, OMIM 612555. Disease mechanism: loss of function.
Wilms tumor 1 (WT1). Also called: Wilms tumor, somatic. Identifiers: Orphanet 654, MedGen CN033288, MONDO:0008679, OMIM 194070.
Pancreatic cancer, susceptibility to, 2. Identifiers: Orphanet 1333, MedGen C3150546, MONDO:0013235, OMIM 613347.
Glioma susceptibility 3 (GLM3). Also called: Glioblastoma 3. Identifiers: Orphanet 182067, Orphanet 360, MedGen C2751641, MONDO:0013093, OMIM 613029.
BRCA2-related cancer predisposition. Identifiers: MedGen CN377758, MONDO:0700269.

Allele frequency attached by ClinVar (database versions not stated): gnomAD exomes below 0.00001.
gnomAD v4.1: 6 of 1,588,182 alleles (0.00038%); highest among the groups gnomAD compares: Non-Finnish European, 0.00034%; no homozygotes.

Submissions (5):

Ambry Genetics
Classification: Likely benign for Hereditary cancer-predisposing syndrome. Last evaluated: 2025-11-07. Review status: criteria provided, single submitter. Criteria: Ambry Variant Classification Scheme 2023. Collection method: clinical testing. Allele origin: germline.

University of Washington Department of Laboratory Medicine, University of Washington
Classification: Likely benign for Hereditary cancer-predisposing syndrome. Last evaluated: 2023-03-23. Review status: criteria provided, single submitter. Criteria: Dines et al. (Genet Med. 2020). Collection method: curation. Allele origin: germline.
Comment: Missense variant in a coldspot region where missense variants are very unlikely to be pathogenic (PMID:31911673).

BRCA2 exon 11 coldspot. Reclassification based on statistical prior probability.

Department of Pathology and Laboratory Medicine, Sinai Health System
Classification: Uncertain significance for BRCA2-related cancer predisposition. Last evaluated: 2021-12-10. Review status: criteria provided, single submitter. Criteria: ACMG Guidelines, 2015. Collection method: clinical testing. Allele origin: germline.

GeneDx
Classification: Uncertain significance. Last evaluated: 2020-10-19. Review status: criteria provided, single submitter. Criteria: GeneDx Variant Classification Process June 2021. Collection method: clinical testing. Allele origin: germline. Affected: yes.
Comment: Not observed in large population cohorts (Lek 2016); In silico analysis supports that this missense variant does not alter protein structure/function; Has not been previously published as pathogenic or benign to our knowledge; Also known as c.4036G>A; This variant is associated with the following publications: (PMID: 30287823)

Fulgent Genetics
Classification: Uncertain significance for Familial cancer of breast; Medulloblastoma; Familial prostate cancer; Wilms tumor 1; Fanconi anemia complementation group D1; Breast-ovarian cancer, familial, susceptibility to, 2; Glioma susceptibility 3; Pancreatic cancer, susceptibility to, 2. Last evaluated: 2018-10-31. Review status: criteria provided, single submitter. Criteria: ACMG Guidelines, 2015. Collection method: clinical testing. Allele origin: unknown.

Literature cited by the submitters: PubMed 30287823 (cited by Ambry Genetics and Department of Pathology and Laboratory Medicine, Sinai Health System).